The following is an entry in ClinVar:

ClinVar aggregate classification (germline): Pathogenic (1 of 4 stars; one submission).

Conditions:
Nephronophthisis. Also called: Juvenile Nephronophthisis. Identifiers: Orphanet 655, MedGen C0687120, MONDO:0019005, HP:0000090.

Submission:

Labcorp Genetics (formerly Invitae), Labcorp
Classification: Pathogenic for Nephronophthisis. Last evaluated: 2026-01-28. Review status: criteria provided, single submitter. Criteria: Invitae Variant Classification Sherloc (09022015). Collection method: clinical testing. Allele origin: germline.
Comment: This sequence change creates a premature translational stop signal (p.Gly1065Alafs*16) in the NPHP3 gene. It is expected to result in an absent or disrupted protein product. Loss-of-function variants in NPHP3 are known to be pathogenic (PMID: 18371931, 23559409). This variant is not present in population databases (gnomAD no frequency). This variant has not been reported in the literature in individuals affected with NPHP3-related conditions. For these reasons, this variant has been classified as Pathogenic.

Literature cited by the submitters: PubMed 18371931; PubMed 23559409.

NM_153240.5(NPHP3):c.3192del (p.Gly1065fs)

Genes: NPHP3 (nephrocystin 3; minus strand), NPHP3-ACAD11 (NPHP3-ACAD11 readthrough (NMD candidate); minus strand). Cytogenetic location: 3q22.1.
Variant type: Deletion.
Coding change: c.3192del on transcript NM_153240.5 (MANE Select); coding-DNA position 3192, one base deleted (A; older notation c.3192delA).
Protein change: p.Gly1065fs; shifts the reading frame from glycine 1065.
Molecular consequence: frameshift variant. On other transcripts: non-coding transcript variant (1).
Genome position (GRCh38, 1-based): chr3:132,687,160, T deleted on the plus strand (A on the coding strand, the reverse complement: NPHP3 is on the minus strand); the first of 6 consecutive T bases (chr3:132,687,160-132,687,165); deleting any one gives the same sequence. VCF-style (leftmost placement, unchanged base first): chr3-132687159-CT-C. GRCh37 (hg19) VCF-style: chr3-132406003-CT-C.
Other names: short protein forms G1065fs.
Identifiers: ClinVar variation 4708488 (VCV004708488.1).